The following is an entry in ClinVar:

ClinVar aggregate classification (germline): Likely pathogenic. Review status: criteria provided, multiple submitters, no conflicts (2 of 4 stars). 3 submissions from 3 submitters: Likely pathogenic (3). Last evaluated 2026-05-13.

Conditions:
Hereditary cancer-predisposing syndrome. Also called: Neoplastic Syndromes, Hereditary; Tumor predisposition; Hereditary neoplastic syndrome; Hereditary Cancer Syndrome. Identifiers: Orphanet 140162, MedGen C0027672, MeSH D009386, MONDO:0015356.
Familial cancer of breast. Also called: hereditary breast carcinoma; Hereditary breast cancer; BREAST CANCER, FAMILIAL. Identifiers: Orphanet 227535, MedGen C0346153, MONDO:0016419, OMIM 114480. Disease mechanism: loss of function.
Ataxia-telangiectasia syndrome (AT). Also called: Ataxia-telangiectasia, complementation group E; LOUIS-BAR SYNDROME; Ataxia-telangiectasia, complementation group D; AT, COMPLEMENTATION GROUP C; Cerebello-oculocutaneous telangiectasia; Immunodeficiency with ataxia telangiectasia. Identifiers: Orphanet 100, MedGen C0004135, MONDO:0008840, OMIM 208900.

Submissions (3):

Myriad Genetics, Inc.
Classification: Likely pathogenic for Familial cancer of breast. Last evaluated: 2026-05-13. Review status: criteria provided, single submitter. Criteria: Myriad Autosomal Dominant, Autosomal Recessive and X-Linked Classification Criteria (2023). Collection method: clinical testing. Allele origin: unknown.
Comment: This variant is considered likely pathogenic. mRNA analysis has demonstrated abnormal mRNA splicing occurs [Myriad internal data].

Ambry Genetics
Classification: Likely pathogenic for Hereditary cancer-predisposing syndrome. Last evaluated: 2025-08-14. Review status: criteria provided, single submitter. Criteria: Ambry Variant Classification Scheme 2023. Collection method: clinical testing. Allele origin: germline.
Comment: The c.59C>G variant (also known as p.A20G), located in coding exon 1 of the ATM gene, results from a C to G substitution at nucleotide position 59. The alanine at codon 20 is replaced by glycine, an amino acid with similar properties. This nucleotide position is not well conserved in available vertebrate species. In silico splice site analysis predicts that this alteration may weaken the native splice donor site and will result in the creation or strengthening of a novel splice donor site. RNA studies have demonstrated that this alteration results in abnormal splicing in the set of samples tested (Ambry internal data). This variant is considered to be rare based on population cohorts in the Genome Aggregation Database (gnomAD). Based on the majority of available evidence to date, this variant is likely to be pathogenic.

Labcorp Genetics (formerly Invitae), Labcorp
Classification: Likely pathogenic for Ataxia-telangiectasia syndrome. Last evaluated: 2024-08-05. Review status: criteria provided, single submitter. Criteria: Invitae Variant Classification Sherloc (09022015). Collection method: clinical testing. Allele origin: germline.
Comment: This sequence change replaces alanine, which is neutral and non-polar, with glycine, which is neutral and non-polar, at codon 20 of the ATM protein (p.Ala20Gly). RNA analysis indicates that this missense change induces altered splicing and may result in an absent or altered protein product. This variant is not present in population databases (gnomAD no frequency). This variant has not been reported in the literature in individuals affected with ATM-related conditions. ClinVar contains an entry for this variant (Variation ID: 864485). Advanced modeling of protein sequence and biophysical properties (such as structural, functional, and spatial information, amino acid conservation, physicochemical variation, residue mobility, and thermodynamic stability) performed at Invitae indicates that this missense variant is not expected to disrupt ATM protein function with a negative predictive value of 95%. Studies have shown that this missense change results in activation of a cryptic splice site, and produces a non-functional protein and/or introduces a premature termination codon (Invitae). In summary, the currently available evidence indicates that the variant is pathogenic, but additional data are needed to prove that conclusively. Therefore, this variant has been classified as Likely Pathogenic.

NM_000051.4(ATM):c.59C>G (p.Ala20Gly)

Gene: ATM (ATM serine/threonine kinase; plus strand). Cytogenetic location: 11q22.3.
Variant type: single nucleotide variant.
Coding change: c.59C>G on transcript NM_000051.4 (MANE Select); coding-DNA position 59, C replaced by G.
Protein change: p.Ala20Gly; replaces alanine 20 with glycine.
Molecular consequence: missense variant.
Genome position (GRCh38, 1-based): chr11:108,227,683, C>G. VCF-style: chr11-108227683-C-G. GRCh37 (hg19) VCF-style: chr11-108098410-C-G.
Other names: c.59C>G, p.Ala20Gly (NM_001351834.2, NM_001351835.2, NM_001351836.2); short protein forms A20G.
Identifiers: ClinVar variation 864485 (VCV000864485.16), dbSNP rs2078809726, ClinGen allele CA382519310.